The following is an entry in ClinVar:

NM_000069.3(CACNA1S):c.2086GAG[1] (p.Glu697del)

Gene: CACNA1S (calcium voltage-gated channel subunit alpha1 S; minus strand). Cytogenetic location: 1q32.1.
Variant type: Microsatellite.
Coding change: c.2086GAG[1] on transcript NM_000069.3 (MANE Select); one copy of the 3-base unit GAG starting at c.2086; the reference has two copies in a row; one copy, 3 bases deleted; also written c.2089_2091del.
Protein change: p.Glu697del; deletes glutamic acid 697.
Molecular consequence: inframe deletion.
Genome position (GRCh38, 1-based): chr1:201,073,615-201,073,617, CTC deleted on the plus strand (GAG on the coding strand, the reverse complement: CACNA1S is on the minus strand); deleting any 3 consecutive bases within chr1:201,073,615-201,073,620 gives the same sequence; the position shown is the placement nearest the transcript's 3' end. VCF-style (leftmost placement, unchanged base first): chr1-201073614-TCTC-T. GRCh37 (hg19) VCF-style: chr1-201042742-TCTC-T.
Other names: c.2089_2091del (NM_000069.2, NM_000069.3); short protein forms E697del.
Identifiers: ClinVar variation 660558 (VCV000660558.9), dbSNP rs1225367412, ClinGen allele CA730084093.
Genomic context (GRCh38, chr1:201,073,614, plus strand): 5'-CAGTGGTGGGGATGCCCTCACCCTTGGGTTTCTGCTCCAGCTTCTTGGCCATCGTTGACT[TCTC>T]CTCTTCTGACTTGTCTGGGAGACCCCTGAGTTAGAAAACCCAAAGTGGAAGCCAAACCAG-3'

ClinVar aggregate classification (germline): Uncertain significance. Review status: criteria provided, multiple submitters, no conflicts (2 of 4 stars). 2 submissions from 2 submitters: Uncertain significance (2). Last evaluated 2025-07-27.

Conditions:
Hypokalemic periodic paralysis, type 1. Also called: Hypokalemic Periodic Paralysis Type 1 (AD); HypoPP. Identifiers: Orphanet 681, MedGen C3714580, MONDO:0042979, OMIM 170400.
Malignant hyperthermia, susceptibility to, 5 (MHS5). Also called: CACNA1S-Related Malignant Hyperthermia Susceptibility. Identifiers: Orphanet 423, MedGen C1866077, MONDO:0011163, OMIM 601887.
Congenital myopathy 18. Also called: Myopathy, congenital, due to dihydropyridine receptor defect; DIHYDROPYRIDINE RECEPTOR CONGENITAL MYOPATHY; DHPR CONGENITAL MYOPATHY. Identifiers: MedGen C5830283, MONDO:0859514, OMIM 620246.
Thyrotoxic periodic paralysis, susceptibility to, 1 (TTPP1). Identifiers: Orphanet 79102, MedGen C2749982, MONDO:0008570, OMIM 188580.

Submissions (2):

Labcorp Genetics (formerly Invitae), Labcorp
Classification: Uncertain significance for Hypokalemic periodic paralysis, type 1; Malignant hyperthermia, susceptibility to, 5. Last evaluated: 2025-07-27. Review status: criteria provided, single submitter. Criteria: Invitae Variant Classification Sherloc (09022015). Collection method: clinical testing. Allele origin: germline.
Comment: This variant, c.2089_2091del, results in the deletion of 1 amino acid(s) of the CACNA1S protein (p.Glu697del), but otherwise preserves the integrity of the reading frame. This variant is not present in population databases (gnomAD no frequency). This variant has been observed in individual(s) with statin myopathy (PMID: 30325262). ClinVar contains an entry for this variant (Variation ID: 660558). Experimental studies and prediction algorithms are not available or were not evaluated, and the functional significance of this variant is currently unknown. In summary, the available evidence is currently insufficient to determine the role of this variant in disease. Therefore, it has been classified as a Variant of Uncertain Significance.

Fulgent Genetics
Classification: Uncertain significance for Hypokalemic periodic paralysis, type 1; Thyrotoxic periodic paralysis, susceptibility to, 1; Malignant hyperthermia, susceptibility to, 5; Congenital myopathy 18. Last evaluated: 2024-03-05. Review status: criteria provided, single submitter. Criteria: ACMG Guidelines, 2015. Collection method: clinical testing. Allele origin: germline.

Literature cited by the submitters: PubMed 30325262 (cited by Labcorp Genetics (formerly Invitae), Labcorp).